The following is an entry in ClinVar:

NM_173500.4(TTBK2):c.3541T>G (p.Ser1181Ala)

Gene: TTBK2 (tau tubulin kinase 2; minus strand). Cytogenetic location: 15q15.2.
Variant type: single nucleotide variant.
Coding change: c.3541T>G on transcript NM_173500.4 (MANE Select); coding-DNA position 3541, T replaced by G.
Protein change: p.Ser1181Ala; replaces serine 1181 with alanine.
Molecular consequence: missense variant.
Genome position (GRCh38, 1-based): chr15:42,745,989, A>C on the plus strand (T>G on the coding strand, the complement: TTBK2 is on the minus strand). VCF-style: chr15-42745989-A-C. GRCh37 (hg19) VCF-style: chr15-43038187-A-C.
Other names: short protein forms S1181A.
Identifiers: ClinVar variation 2966136 (VCV002966136.4), dbSNP rs770503390, ClinGen allele CA7516553.

ClinVar aggregate classification (germline): Uncertain significance. Review status: criteria provided, multiple submitters, no conflicts (2 of 4 stars). 2 submissions from 2 submitters: Uncertain significance (2). Last evaluated 2024-07-16.

Conditions:
Inborn genetic diseases. Identifiers: MedGen C0950123, MeSH D030342.

Allele frequency attached by ClinVar (database versions not stated): ExAC 0.00002; gnomAD 0.00002; gnomAD exomes 0.00002; TOPMed 0.00002.
gnomAD v4.1: 38 of 1,613,870 alleles (0.0024%); highest among the groups gnomAD compares: Non-Finnish European, 0.0031%; no homozygotes.

Submissions (2):

Ambry Genetics
Classification: Uncertain significance for Inborn genetic diseases. Last evaluated: 2024-07-16. Review status: criteria provided, single submitter. Criteria: Ambry Variant Classification Scheme 2023. Collection method: clinical testing. Allele origin: germline.

Labcorp Genetics (formerly Invitae), Labcorp
Classification: Uncertain significance. Last evaluated: 2023-06-23. Review status: criteria provided, single submitter. Criteria: Invitae Variant Classification Sherloc (09022015). Collection method: clinical testing. Allele origin: germline.
Comment: This sequence change replaces serine, which is neutral and polar, with alanine, which is neutral and non-polar, at codon 1181 of the TTBK2 protein (p.Ser1181Ala). This variant is present in population databases (rs770503390, gnomAD 0.003%). This variant has not been reported in the literature in individuals affected with TTBK2-related conditions. An algorithm developed to predict the effect of missense changes on protein structure and function (PolyPhen-2) suggests that this variant is likely to be disruptive. In summary, the available evidence is currently insufficient to determine the role of this variant in disease. Therefore, it has been classified as a Variant of Uncertain Significance.